The following is an entry in ClinVar:

ClinVar aggregate classification (germline): Likely benign. Review status: criteria provided, single submitter (1 of 4 stars). 2 submissions from 2 submitters: Likely benign (1). 1 of the submissions does not count toward it. Last evaluated 2024-11-14.

Conditions:
LARGE1-related disorder. Also called: LARGE1-related condition.
Muscular dystrophy-dystroglycanopathy type B6 (MDDGB6). Also called: MUSCULAR DYSTROPHY-DYSTROGLYCANOPATHY (CONGENITAL WITH IMPAIRED INTELLECTUAL DEVELOPMENT), TYPE B, 6; MUSCULAR DYSTROPHY, CONGENITAL, LARGE-RELATED; MUSCULAR DYSTROPHY, CONGENITAL, TYPE 1D. Identifiers: MedGen C1837229, MONDO:0012138, OMIM 608840.

Allele frequency attached by ClinVar (database versions not stated): ExAC 0.00001; gnomAD 0.00006; TOPMed 0.00006; 1000 Genomes Project 30x 0.00016; 1000 Genomes Project 0.00020.
gnomAD v4.1: 25 of 1,613,958 alleles (0.0015%); highest among the groups gnomAD compares: Admixed American, 0.012%; no homozygotes.

Submissions (2):

Labcorp Genetics (formerly Invitae), Labcorp
Classification: Likely benign for Muscular dystrophy-dystroglycanopathy type B6. Last evaluated: 2024-11-14. Review status: criteria provided, single submitter. Criteria: Invitae Variant Classification Sherloc (09022015). Collection method: clinical testing. Allele origin: germline.

PreventionGenetics, part of Exact Sciences
Classification: Likely benign for LARGE1-related condition. Last evaluated: 2024-02-02. Review status: no assertion criteria provided. Collection method: clinical testing. Allele origin: germline. Not counted in ClinVar's aggregate classification.
Comment: This variant is classified as likely benign based on ACMG/AMP sequence variant interpretation guidelines (Richards et al. 2015 PMID: 25741868, with internal and published modifications).

NM_133642.5(LARGE1):c.984C>G (p.Leu328=)

Gene: LARGE1 (LARGE xylosyl- and glucuronyltransferase 1; minus strand). Cytogenetic location: 22q12.3.
Variant type: single nucleotide variant.
Coding change: c.984C>G on transcript NM_133642.5 (MANE Select); coding-DNA position 984, C replaced by G.
Protein change: p.Leu328=; no amino-acid change (leucine 328 retained).
Molecular consequence: synonymous variant.
Genome position (GRCh38, 1-based): chr22:33,384,213, G>C on the plus strand (C>G on the coding strand, the complement: LARGE1 is on the minus strand). VCF-style: chr22-33384213-G-C. GRCh37 (hg19) VCF-style: chr22-33780199-G-C.
Other names: c.984C>G (NM_004737.5); c.984C>G, p.Leu328= (NM_001362949.2, NM_001362951.2, NM_001362953.2 and 7 more transcripts); c.381C>G, p.Leu127= (NM_001378630.1, NM_001378631.1).
Identifiers: ClinVar variation 2040312 (VCV002040312.6), dbSNP rs577299762, ClinGen allele CA10202891.